The following is an entry in ClinVar:

NM_004168.4(SDHA):c.1064+2T>C

Gene: SDHA (succinate dehydrogenase complex flavoprotein subunit A; plus strand). Cytogenetic location: 5p15.33.
Variant type: single nucleotide variant.
Coding change: c.1064+2T>C on transcript NM_004168.4 (MANE Select); the canonical splice donor site of the intron after coding-DNA position 1064, T replaced by C.
Molecular consequence: splice donor variant.
Genome position (GRCh38, 1-based): chr5:233,647, T>C. VCF-style: chr5-233647-T-C. GRCh37 (hg19) VCF-style: chr5-233762-T-C.
Other names: c.1064+2T>C (NM_001330758.2); c.920+2T>C (NM_001294332.2).
Identifiers: ClinVar variation 2949218 (VCV002949218.4), dbSNP rs1553999072, ClinGen allele CA359013039.

ClinVar aggregate classification (germline): Likely pathogenic (1 of 4 stars; one submission).

Conditions:
Mitochondrial complex II deficiency, nuclear type 1. Also called: SUCCINATE CoQ REDUCTASE DEFICIENCY. Identifiers: Orphanet 3208, MedGen C5700310, MONDO:0100294, OMIM 252011.
Pheochromocytoma/paraganglioma syndrome 5. Also called: Paragangliomas 5; SDHA-Related Hereditary Paraganglioma-Pheochromocytoma Syndrome. Identifiers: Orphanet 29072, MedGen C3279992, MONDO:0013602, OMIM 614165.

Allele frequency attached by ClinVar (database versions not stated): gnomAD exomes below 0.00001.
gnomAD v4.1: 1 of 1,613,824 alleles (0.000062%); highest among the groups gnomAD compares: South Asian, 0.0011%; no homozygotes.

Submissions (2):

Labcorp Genetics (formerly Invitae), Labcorp
Classification: Likely pathogenic for Pheochromocytoma/paraganglioma syndrome 5; Mitochondrial complex II deficiency, nuclear type 1. Last evaluated: 2024-01-14. Review status: criteria provided, single submitter. Criteria: Invitae Variant Classification Sherloc (09022015). Collection method: clinical testing. Allele origin: germline.
Comment: This sequence change affects a donor splice site in intron 8 of the SDHA gene. It is expected to disrupt RNA splicing. Variants that disrupt the donor or acceptor splice site typically lead to a loss of protein function (PMID: 16199547), and loss-of-function variants in SDHA are known to be pathogenic (PMID: 22974104, 24781757). This variant is not present in population databases (gnomAD no frequency). This variant has not been reported in the literature in individuals affected with SDHA-related conditions. Algorithms developed to predict the effect of sequence changes on RNA splicing suggest that this variant may disrupt the consensus splice site. In summary, the currently available evidence indicates that the variant is pathogenic, but additional data are needed to prove that conclusively. Therefore, this variant has been classified as Likely Pathogenic.

Dr. Peter K. Rogan Lab, Western University
No classification provided (evidence only). Condition: Ovarian serous cystadenocarcinoma. Review status: no classification provided. Collection method: in vitro. Allele origin: not applicable. Functional consequence: retained intron. Not counted in ClinVar's aggregate classification.

Literature cited by the submitters: PubMed 16199547 (cited by Labcorp Genetics (formerly Invitae), Labcorp); PubMed 22974104 (cited by Labcorp Genetics (formerly Invitae), Labcorp); PubMed 24781757 (cited by Labcorp Genetics (formerly Invitae), Labcorp).